The following is an entry in ClinVar:

ClinVar aggregate classification (germline): Uncertain significance (1 of 4 stars; one submission).

Conditions:
Werner syndrome (WRN). Identifiers: Orphanet 902, MedGen C0043119, MONDO:0010196, OMIM 277700.

Submission:

Labcorp Genetics (formerly Invitae), Labcorp
Classification: Uncertain significance for Werner syndrome. Last evaluated: 2023-12-04. Review status: criteria provided, single submitter. Criteria: Invitae Variant Classification Sherloc (09022015). Collection method: clinical testing. Allele origin: germline.
Comment: This sequence change replaces glutamic acid, which is acidic and polar, with lysine, which is basic and polar, at codon 513 of the WRN protein (p.Glu513Lys). This variant is not present in population databases (gnomAD no frequency). This variant has not been reported in the literature in individuals affected with WRN-related conditions. ClinVar contains an entry for this variant (Variation ID: 2091926). Algorithms developed to predict the effect of missense changes on protein structure and function output the following: SIFT: "Not Available"; PolyPhen-2: "Benign"; Align-GVGD: "Not Available". The lysine amino acid residue is found in multiple mammalian species, which suggests that this missense change does not adversely affect protein function. In summary, the available evidence is currently insufficient to determine the role of this variant in disease. Therefore, it has been classified as a Variant of Uncertain Significance.

NM_000553.6(WRN):c.1537G>A (p.Glu513Lys)

Gene: WRN (WRN RecQ like helicase; plus strand). Cytogenetic location: 8p12.
Variant type: single nucleotide variant.
Coding change: c.1537G>A on transcript NM_000553.6 (MANE Select); coding-DNA position 1537, G replaced by A.
Protein change: p.Glu513Lys; replaces glutamic acid 513 with lysine.
Molecular consequence: missense variant.
Genome position (GRCh38, 1-based): chr8:31,087,881, G>A. VCF-style: chr8-31087881-G-A. GRCh37 (hg19) VCF-style: chr8-30945397-G-A.
Other names: short protein forms E513K.
Identifiers: ClinVar variation 2091926 (VCV002091926.4), dbSNP rs772584887, ClinGen allele CA370924693.